The following is an entry in ClinVar:

ClinVar aggregate classification (germline): Conflicting classifications of pathogenicity. Review status: criteria provided, conflicting classifications (1 of 4 stars). 7 submissions from 7 submitters: Uncertain significance (1); Benign (1); Likely benign (4). 1 of the submissions does not count toward it. Last evaluated 2026-02-06.

Conditions:
CSF3R-related disorder. Also called: CSF3R-related condition.
Autosomal recessive severe congenital neutropenia due to CSF3R deficiency. Also called: Neutropenia, severe congenital, 7, autosomal recessive. Identifiers: Orphanet 420702, MedGen C4310764, MONDO:0014865, OMIM 617014.

Allele frequency attached by ClinVar (database versions not stated): gnomAD exomes 0.00013 and 0.00047; ExAC 0.00059; gnomAD 0.00155 and 0.00158; ESP Exome Variant Server 0.00200; TOPMed 0.00201; 1000 Genomes Project 0.00220; 1000 Genomes Project 30x 0.00234.
gnomAD v4.1: 455 of 1,614,192 alleles (0.028%); highest among the groups gnomAD compares: African/African-American, 0.46%; 3 homozygotes.

Submissions (7):

Women's Health and Genetics/Laboratory Corporation of America, LabCorp
Classification: Benign. Last evaluated: 2026-02-06. Review status: criteria provided, single submitter. Criteria: LabCorp Variant Classification Summary - May 2015. Collection method: clinical testing. Allele origin: germline.
Comment: Variant summary: CSF3R c.1748G>A (p.Arg583His) results in a non-conservative amino acid change located in the Fibronectin type III repeat domain (IPR003961) of the encoded protein sequence. Algorithms developed to predict the effect of missense changes on protein structure and function are either unavailable or do not agree on the potential impact of this missense change. The variant allele was found at a frequency of 0.00047 in 251256 control chromosomes, predominantly at a frequency of 0.0053 within the African or African-American subpopulation in the gnomAD database, including 1 homozygote. The observed variant frequency within African or African-American control individuals in the gnomAD database exceeds the estimated maximal expected allele frequency for disease-causing variants in CSF3R. At least one publication reported experimental evidence evaluating an impact on protein function, and demonstrated no damaging effect of this variant (Trottier_2020). The following publication has been ascertained in the context of this evaluation (PMID: 33108454). ClinVar contains an entry for this variant (Variation ID: 432323). Based on the evidence outlined above, the variant was classified as benign.

Labcorp Genetics (formerly Invitae), Labcorp
Classification: Likely benign for Autosomal recessive severe congenital neutropenia due to CSF3R deficiency. Last evaluated: 2026-01-26. Review status: criteria provided, single submitter. Criteria: Invitae Variant Classification Sherloc (09022015). Collection method: clinical testing. Allele origin: germline.

Mayo Clinic Laboratories, Mayo Clinic
Classification: Likely benign. Last evaluated: 2025-02-26. Review status: criteria provided, single submitter. Criteria: ACMG Guidelines, 2015. Collection method: clinical testing. Allele origin: germline. Observed: 5 variant alleles.
Comment: BS1, BP4_moderate

GeneDx
Classification: Uncertain significance. Last evaluated: 2025-02-16. Review status: criteria provided, single submitter. Criteria: GeneDx Variant Classification Process June 2021. Collection method: clinical testing. Allele origin: germline. Affected: yes.
Comment: In silico analysis indicates that this missense variant does not alter protein structure/function; This variant is associated with the following publications: (PMID: 33108454, Unlu2024[Poster], 38644693, 37601857)

Blueprint Genetics
Classification: Likely benign. Last evaluated: 2023-12-07. Review status: criteria provided, single submitter. Criteria: ACMG Guidelines, 2015. Collection method: clinical testing. Allele origin: germline.

Genetic Services Laboratory, University of Chicago
Classification: Likely benign. Last evaluated: 2017-02-22. Review status: criteria provided, single submitter. Criteria: ACMG Guidelines, 2015. Collection method: clinical testing. Allele origin: germline. Affected: no.

PreventionGenetics, part of Exact Sciences
Classification: Likely benign for CSF3R-related condition. Last evaluated: 2022-02-24. Review status: no assertion criteria provided. Collection method: clinical testing. Allele origin: germline. Not counted in ClinVar's aggregate classification.
Comment: This variant is classified as likely benign based on ACMG/AMP sequence variant interpretation guidelines (Richards et al. 2015 PMID: 25741868, with internal and published modifications).

Literature cited by the submitters: PubMed 23896413 (cited by Women's Health and Genetics/Laboratory Corporation of America, LabCorp); PubMed 28302714 (cited by Women's Health and Genetics/Laboratory Corporation of America, LabCorp); PubMed 24627528 (cited by Women's Health and Genetics/Laboratory Corporation of America, LabCorp); PubMed 23656643 (cited by Women's Health and Genetics/Laboratory Corporation of America, LabCorp); PubMed 23604229 (cited by Women's Health and Genetics/Laboratory Corporation of America, LabCorp); PubMed 22371884 (cited by Women's Health and Genetics/Laboratory Corporation of America, LabCorp); PubMed 27069254 (cited by Women's Health and Genetics/Laboratory Corporation of America, LabCorp); PubMed 33108454 (cited by Women's Health and Genetics/Laboratory Corporation of America, LabCorp).

NM_000760.4(CSF3R):c.1748G>A (p.Arg583His)

Gene: CSF3R (colony stimulating factor 3 receptor; minus strand). Cytogenetic location: 1p34.3.
Variant type: single nucleotide variant.
Coding change: c.1748G>A on transcript NM_000760.4 (MANE Select); coding-DNA position 1748, G replaced by A.
Protein change: p.Arg583His; replaces arginine 583 with histidine.
Molecular consequence: missense variant.
Genome position (GRCh38, 1-based): chr1:36,467,938, C>T on the plus strand (G>A on the coding strand, the complement: CSF3R is on the minus strand). VCF-style: chr1-36467938-C-T. GRCh37 (hg19) VCF-style: chr1-36933539-C-T.
Other names: p.Arg583His; c.1748G>A, p.Arg583His (LRG_144t1, NM_156039.3, NM_172313.3); short protein forms R583H.
Identifiers: ClinVar variation 432323 (VCV000432323.23), dbSNP rs148104401, ClinGen allele CA769082.